The following is an entry in ClinVar:

NM_000246.4(CIITA):c.826G>A (p.Gly276Ser)

Gene: CIITA (class II major histocompatibility complex transactivator; plus strand). Cytogenetic location: 16p13.13.
Variant type: single nucleotide variant.
Coding change: c.826G>A on transcript NM_000246.4 (MANE Select); coding-DNA position 826, G replaced by A.
Protein change: p.Gly276Ser; replaces glycine 276 with serine.
Molecular consequence: missense variant. On other transcripts: non-coding transcript variant (1).
Genome position (GRCh38, 1-based): chr16:10,903,784, G>A. VCF-style: chr16-10903784-G-A. GRCh37 (hg19) VCF-style: chr16-10997641-G-A.
Other names: c.829G>A, p.Gly277Ser (NM_001286402.1, NM_001379332.1); c.679G>A, p.Gly227Ser (NM_001286403.2, NM_001379331.1); c.682G>A, p.Gly228Ser (NM_001379330.1); c.826G>A, p.Gly276Ser (NM_001379333.1); c.757G>A, p.Gly253Ser (NM_001379334.1); short protein forms G276S, G227S, G277S, G228S, G253S.
Identifiers: ClinVar variation 459199 (VCV000459199.3), dbSNP rs142461515, ClinGen allele CA7899923.
Genomic context (GRCh38, chr16:10,903,784, plus strand): 5'-AATGTAGGTGAGGTGCCCCAGGCCAGCCAAGTACCCCCTCCCAGTGGATTCACTGTCCAC[G>A]GCCTCCCAACATCTCCAGACCGGCCAGGCTCCACCAGCCCCTTCGCTCCATCAGCCACTG-3'
Protein context (NP_000237.2, residues 266-286): VPPPSGFTVH[Gly276Ser]LPTSPDRPGS

ClinVar aggregate classification (germline): Uncertain significance (1 of 4 stars; one submission).

Conditions:
MHC class II deficiency. Also called: Bare lymphocyte syndrome 2; BLS, TYPE II. Identifiers: Orphanet 572, MedGen C5447452, MONDO:0008855.

Allele frequency attached by ClinVar (database versions not stated): gnomAD exomes 0.00002 and 0.00007; ESP Exome Variant Server 0.00008; ExAC 0.00009; gnomAD 0.00022; TOPMed 0.00023; 1000 Genomes Project 0.00060; 1000 Genomes Project 30x 0.00062.
gnomAD v4.1: 69 of 1,614,042 alleles (0.0043%); highest among the groups gnomAD compares: African/African-American, 0.055%; no homozygotes.

Submission:

Labcorp Genetics (formerly Invitae), Labcorp
Classification: Uncertain significance for MHC class II deficiency. Last evaluated: 2026-02-02. Review status: criteria provided, single submitter. Criteria: Invitae Variant Classification Sherloc (09022015). Collection method: clinical testing. Allele origin: germline.
Comment: This sequence change replaces glycine, which is neutral and non-polar, with serine, which is neutral and polar, at codon 276 of the CIITA protein (p.Gly276Ser). This variant is present in population databases (rs142461515, gnomAD 0.07%). This variant has not been reported in the literature in individuals affected with CIITA-related conditions. ClinVar contains an entry for this variant (Variation ID: 459199). An algorithm developed to predict the effect of missense changes on protein structure and function outputs the following: PolyPhen-2: "Benign". The serine amino acid residue is found in multiple mammalian species, which suggests that this missense change does not adversely affect protein function. In summary, the available evidence is currently insufficient to determine the role of this variant in disease. Therefore, it has been classified as a Variant of Uncertain Significance.